The following is an entry in ClinVar:

ClinVar aggregate classification (germline): Conflicting classifications of pathogenicity. Review status: criteria provided, conflicting classifications (1 of 4 stars). 7 submissions from 7 submitters: Uncertain significance (6); Likely benign (1). Last evaluated 2026-05-07.

Conditions:
FLNC-related disorder. Also called: FLNC-related disorders; FLNC-related condition.
Myofibrillar myopathy 5. Also called: FILAMINOPATHY, AUTOSOMAL DOMINANT; Filaminopathy (type). Identifiers: Orphanet 171445, MedGen C1836050, MONDO:0012289, OMIM 609524.
Hypertrophic cardiomyopathy 26. Also called: Cardiomyopathy, familial hypertrophic, 26. Identifiers: Orphanet 75249, MedGen C4310749, MONDO:0014883, OMIM 617047.
Distal myopathy with posterior leg and anterior hand involvement. Also called: WILLIAMS DISTAL MYOPATHY. Identifiers: Orphanet 63273, MedGen C3279722, MONDO:0013550, OMIM 614065.
Cardiovascular phenotype. Identifiers: MedGen CN230736.

Allele frequency attached by ClinVar (database versions not stated): TOPMed 0.00002; gnomAD 0.00003.
gnomAD v4.1: 34 of 1,613,506 alleles (0.0021%); highest among the groups gnomAD compares: Admixed American, 0.005%; no homozygotes.

Submissions (7):

PreventionGenetics, part of Exact Sciences
Classification: Uncertain significance for FLNC-related condition. Last evaluated: 2026-05-07. Review status: criteria provided, single submitter. Criteria: ACMG Guidelines, 2015. Collection method: clinical testing. Allele origin: germline.
Comment: The FLNC c.3241G>A variant is predicted to result in the amino acid substitution p.Ala1081Thr. This variant has been reported as uncertain in an individual with peripartum cardiomyopathy (Table S3, Goli et al. 2021. PubMed ID: 33874732). This variant is reported in 0.0097% of alleles in individuals of Ashkenazi Jewish descent in gnomAD and has conflicting interpretations regarding its pathogenicity in ClinVar, ranging from likely benign to uncertain (Variation ID: 472036). At this time, the clinical significance of this variant is uncertain due to the absence of conclusive functional and genetic evidence.

Labcorp Genetics (formerly Invitae), Labcorp
Classification: Likely benign for Distal myopathy with posterior leg and anterior hand involvement; Myofibrillar myopathy 5; Hypertrophic cardiomyopathy 26. Last evaluated: 2025-10-23. Review status: criteria provided, single submitter. Criteria: Invitae Variant Classification Sherloc (09022015). Collection method: clinical testing. Allele origin: germline.

Dasa
Classification: Uncertain significance. Last evaluated: 2025-05-14. Review status: criteria provided, single submitter. Criteria: DASA Assertion Criteria. Collection method: clinical testing. Allele origin: germline.
Comment: NM_001458.5(FLNC):c.3241G>A (p.Ala1081Thr) is a missense variant that results in the substitution of alanine with threonine. This variant is rare in population databases. Computational prediction algorithms are consistent with a deleterious effect. The currently available literature and clinical evidence are not sufficient to establish a definitive association between this variant and the reported condition. Therefore, this variant is classified as a variant of uncertain significance.

Ambry Genetics
Classification: Uncertain significance for Cardiovascular phenotype. Last evaluated: 2023-12-08. Review status: criteria provided, single submitter. Criteria: Ambry Variant Classification Scheme 2023. Collection method: clinical testing. Allele origin: germline.
Comment: The p.A1081T variant (also known as c.3241G>A), located in coding exon 21 of the FLNC gene, results from a G to A substitution at nucleotide position 3241. The alanine at codon 1081 is replaced by threonine, an amino acid with similar properties. This variant has been detected in peripartum cardiomyopathy cohort (Goli R et al. Circulation. 2021 May;143(19):1852-1862). This amino acid position is highly conserved in available vertebrate species. In addition, this alteration is predicted to be deleterious by in silico analysis. Since supporting evidence is limited at this time, the clinical significance of this alteration remains unclear.

GeneDx
Classification: Uncertain significance. Last evaluated: 2022-11-16. Review status: criteria provided, single submitter. Criteria: GeneDx Variant Classification Process June 2021. Collection method: clinical testing. Allele origin: germline. Affected: yes.
Comment: Has not been previously published as pathogenic or benign to our knowledge; In silico analysis supports that this missense variant has a deleterious effect on protein structure/function; This variant is associated with the following publications: (PMID: 30681346)

Revvity Omics, Revvity
Classification: Uncertain significance. Last evaluated: 2020-08-03. Review status: criteria provided, single submitter. Criteria: ACMG Guidelines, 2015. Collection method: clinical testing. Allele origin: germline.

Blueprint Genetics
Classification: Uncertain significance. Last evaluated: 2019-12-16. Review status: criteria provided, single submitter. Criteria: ACMG Guidelines, 2015. Collection method: clinical testing. Allele origin: germline.

Literature cited by the submitters: PubMed 33874732 (cited by Ambry Genetics).

NM_001458.5(FLNC):c.3241G>A (p.Ala1081Thr)

Gene: FLNC (filamin C; plus strand). Cytogenetic location: 7q32.1.
Variant type: single nucleotide variant.
Coding change: c.3241G>A on transcript NM_001458.5 (MANE Select); coding-DNA position 3241, G replaced by A.
Protein change: p.Ala1081Thr; replaces alanine 1081 with threonine.
Molecular consequence: missense variant.
Genome position (GRCh38, 1-based): chr7:128,844,706, G>A. VCF-style: chr7-128844706-G-A. GRCh37 (hg19) VCF-style: chr7-128484760-G-A.
Other names: c.3241G>A, p.Ala1081Thr (NM_001127487.2); short protein forms A1081T.
Identifiers: ClinVar variation 472036 (VCV000472036.20), dbSNP rs781760817, ClinGen allele CA4475003.